The following is an entry in ClinVar:

NM_030930.4(UNC93B1):c.554+3G>A

Gene: UNC93B1 (unc-93B1 regulator of TLR signaling; minus strand). Cytogenetic location: 11q13.2.
Variant type: single nucleotide variant.
Coding change: c.554+3G>A on transcript NM_030930.4 (MANE Select); 3 bases into the intron after coding-DNA position 554, G replaced by A.
Molecular consequence: intron variant.
Genome position (GRCh38, 1-based): chr11:67,999,516, C>T on the plus strand (G>A on the coding strand, the complement: UNC93B1 is on the minus strand). VCF-style: chr11-67999516-C-T. GRCh37 (hg19) VCF-style: chr11-67766986-C-T.
Identifiers: ClinVar variation 1364589 (VCV001364589.3), dbSNP rs2134364340, ClinGen allele CA2573147488.

ClinVar aggregate classification (germline): Uncertain significance (1 of 4 stars; one submission).

Conditions:
Encephalopathy, acute, infection-induced (herpes-specific), susceptibility to, 1. Also called: Herpes simplex encephalitis, susceptibility to, 1. Identifiers: Orphanet 1930, MedGen C2750180, MONDO:0024563, OMIM 610551.

Allele frequency attached by ClinVar (database versions not stated): gnomAD exomes below 0.00001.

Submission:

Labcorp Genetics (formerly Invitae), Labcorp
Classification: Uncertain significance for Encephalopathy, acute, infection-induced (herpes-specific), susceptibility to, 1. Last evaluated: 2021-04-22. Review status: criteria provided, single submitter. Criteria: Invitae Variant Classification Sherloc (09022015). Collection method: clinical testing. Allele origin: germline.
Comment: This sequence change falls in intron 4 of the UNC93B1 gene. It does not directly change the encoded amino acid sequence of the UNC93B1 protein. It affects a nucleotide within the consensus splice site of the intron. This variant is not present in population databases (ExAC no frequency). This variant has not been reported in the literature in individuals with UNC93B1-related conditions. Nucleotide substitutions within the consensus splice site are a relatively common cause of aberrant splicing (PMID: 17576681, 9536098). Experimental studies and prediction algorithms are not available or were not evaluated, and the effect of this variant on mRNA splicing is currently unknown. In summary, the available evidence is currently insufficient to determine the role of this variant in disease. Therefore, it has been classified as a Variant of Uncertain Significance.

Literature cited by the submitters: PubMed 17576681; PubMed 9536098.